The following is an entry in ClinVar:

NM_001042492.3(NF1):c.1414_1417del (p.Val472fs)

Gene: NF1 (neurofibromin 1; plus strand). Cytogenetic location: 17q11.2.
Variant type: Deletion.
Coding change: c.1414_1417del on transcript NM_001042492.3 (MANE Select); coding-DNA positions 1414 to 1417, 4 bases deleted (GTAA; older notation c.1414_1417delGTAA).
Protein change: p.Val472fs; shifts the reading frame from valine 472.
Molecular consequence: frameshift variant.
Genome position (GRCh38, 1-based): chr17:31,214,472-31,214,475, GTAA deleted; deleting any 4 consecutive bases within chr17:31,214,470-31,214,475 gives the same sequence; the c. name uses the placement nearest the transcript's 3' end. VCF-style (leftmost placement, unchanged base first): chr17-31214469-AAAGT-A. GRCh37 (hg19) VCF-style: chr17-29541487-AAAGT-A.
Other names: c.1414_1417del, p.Val472fs (NM_000267.4, NM_001128147.3); short protein forms V472fs.
Identifiers: ClinVar variation 4615750 (VCV004615750.1).

ClinVar aggregate classification (germline): Pathogenic (1 of 4 stars; one submission).

Conditions:
Cardiovascular phenotype. Identifiers: MedGen CN230736.
Hereditary cancer-predisposing syndrome. Also called: Neoplastic Syndromes, Hereditary; Tumor predisposition; Hereditary Cancer Syndrome; Hereditary neoplastic syndrome. Identifiers: Orphanet 140162, MedGen C0027672, MeSH D009386, MONDO:0015356.

Submission:

Ambry Genetics
Classification: Pathogenic for Cardiovascular phenotype; Hereditary cancer-predisposing syndrome. Last evaluated: 2025-10-08. Review status: criteria provided, single submitter. Criteria: Ambry Variant Classification Scheme 2023. Collection method: clinical testing. Allele origin: germline.
Comment: The c.1414_1417delGTAA pathogenic mutation, located in coding exon 13 of the NF1 gene, results from a deletion of 4 nucleotides at nucleotide positions 1414 to 1417, causing a translational frameshift with a predicted alternate stop codon (p.V472Qfs*25). This variant is considered to be rare based on population cohorts in the Genome Aggregation Database (gnomAD). This alteration is expected to result in loss of function by premature protein truncation or nonsense-mediated mRNA decay. As such, this alteration is interpreted as a disease-causing mutation.